The following is an entry in ClinVar:

ClinVar aggregate classification (germline): Uncertain significance (1 of 4 stars; one submission).

Submission:

Labcorp Genetics (formerly Invitae), Labcorp
Classification: Uncertain significance. Last evaluated: 2025-12-09. Review status: criteria provided, single submitter. Criteria: Invitae Variant Classification Sherloc (09022015). Collection method: clinical testing. Allele origin: germline.
Comment: This sequence change replaces asparagine, which is neutral and polar, with aspartic acid, which is acidic and polar, at codon 1570 of the KMT2E protein (p.Asn1570Asp). This variant is not present in population databases (gnomAD no frequency). This variant has not been reported in the literature in individuals affected with KMT2E-related conditions. An algorithm developed to predict the effect of missense changes on protein structure and function (PolyPhen-2) suggests that this variant is likely to be tolerated. In summary, the available evidence is currently insufficient to determine the role of this variant in disease. Therefore, it has been classified as a Variant of Uncertain Significance.

NM_182931.3(KMT2E):c.4708A>G (p.Asn1570Asp)

Gene: KMT2E (lysine methyltransferase 2E (inactive); plus strand). Cytogenetic location: 7q22.3.
Variant type: single nucleotide variant.
Coding change: c.4708A>G on transcript NM_182931.3 (MANE Select); coding-DNA position 4708, A replaced by G.
Protein change: p.Asn1570Asp; replaces asparagine 1570 with aspartic acid.
Molecular consequence: missense variant.
Genome position (GRCh38, 1-based): chr7:105,112,464, A>G. VCF-style: chr7-105112464-A-G. GRCh37 (hg19) VCF-style: chr7-104752911-A-G.
Other names: c.4582A>G, p.Asn1528Asp (NM_001410908.1); c.4708A>G, p.Asn1570Asp (NM_018682.4); short protein forms N1528D, N1570D.
Identifiers: ClinVar variation 4798830 (VCV004798830.1).